The following is an entry in ClinVar:

ClinVar aggregate classification (germline): Uncertain significance (1 of 4 stars; one submission).

Conditions:
Primary ciliary dyskinesia. Also called: Ciliary dyskinesia. Identifiers: Orphanet 244, MedGen C0008780, MONDO:0016575, HP:0012265.

Submission:

Labcorp Genetics (formerly Invitae), Labcorp
Classification: Uncertain significance for Primary ciliary dyskinesia. Last evaluated: 2022-03-04. Review status: criteria provided, single submitter. Criteria: Invitae Variant Classification Sherloc (09022015). Collection method: clinical testing. Allele origin: germline.
Comment: This variant is not present in population databases (gnomAD no frequency). This variant has not been reported in the literature in individuals affected with DNAH11-related conditions. Advanced modeling of protein sequence and biophysical properties (such as structural, functional, and spatial information, amino acid conservation, physicochemical variation, residue mobility, and thermodynamic stability) performed at Invitae indicates that this missense variant is not expected to disrupt DNAH11 protein function. In summary, the available evidence is currently insufficient to determine the role of this variant in disease. Therefore, it has been classified as a Variant of Uncertain Significance. This sequence change replaces threonine, which is neutral and polar, with isoleucine, which is neutral and non-polar, at codon 1153 of the DNAH11 protein (p.Thr1153Ile).

NM_001277115.2(DNAH11):c.3458C>T (p.Thr1153Ile)

Gene: DNAH11 (dynein axonemal heavy chain 11; plus strand). Cytogenetic location: 7p15.3.
Variant type: single nucleotide variant.
Coding change: c.3458C>T on transcript NM_001277115.2 (MANE Select); coding-DNA position 3458, C replaced by T.
Protein change: p.Thr1153Ile; replaces threonine 1153 with isoleucine.
Molecular consequence: missense variant.
Genome position (GRCh38, 1-based): chr7:21,601,428, C>T. VCF-style: chr7-21601428-C-T. GRCh37 (hg19) VCF-style: chr7-21641046-C-T.
Other names: c.3458C>T, p.Thr1153Ile (NM_003777.3); short protein forms T1153I.
Identifiers: ClinVar variation 2413280 (VCV002413280.14), dbSNP rs2534635440, ClinGen allele CA366946866.